The following is an entry in ClinVar:

ClinVar aggregate classification (germline): Uncertain significance (1 of 4 stars; one submission).

Submission:

Labcorp Genetics (formerly Invitae), Labcorp
Classification: Uncertain significance. Last evaluated: 2024-01-08. Review status: criteria provided, single submitter. Criteria: Invitae Variant Classification Sherloc (09022015). Collection method: clinical testing. Allele origin: germline.
Comment: This sequence change replaces glutamic acid, which is acidic and polar, with alanine, which is neutral and non-polar, at codon 496 of the HK1 protein (p.Glu496Ala). This variant is not present in population databases (gnomAD no frequency). This variant has not been reported in the literature in individuals affected with HK1-related conditions. ClinVar contains an entry for this variant (Variation ID: 2102400). Advanced modeling of protein sequence and biophysical properties (such as structural, functional, and spatial information, amino acid conservation, physicochemical variation, residue mobility, and thermodynamic stability) performed at Invitae indicates that this missense variant is not expected to disrupt HK1 protein function with a negative predictive value of 80%. In summary, the available evidence is currently insufficient to determine the role of this variant in disease. Therefore, it has been classified as a Variant of Uncertain Significance.

NM_000188.3(HK1):c.1487A>C (p.Glu496Ala)

Gene: HK1 (hexokinase 1; plus strand). Cytogenetic location: 10q22.1.
Variant type: single nucleotide variant.
Coding change: c.1487A>C on transcript NM_000188.3 (MANE Select); coding-DNA position 1487, A replaced by C.
Protein change: p.Glu496Ala; replaces glutamic acid 496 with alanine.
Molecular consequence: missense variant.
Genome position (GRCh38, 1-based): chr10:69,382,708, A>C. VCF-style: chr10-69382708-A-C. GRCh37 (hg19) VCF-style: chr10-71142464-A-C.
Other names: c.1499A>C, p.Glu500Ala (NM_001322364.2, NM_001358263.1, NM_033497.3 and 1 more transcripts); c.1592A>C, p.Glu531Ala (NM_001322365.2); c.1403A>C, p.Glu468Ala (NM_001322366.1); c.1391A>C, p.Glu464Ala (NM_001322367.1); c.1484A>C, p.Glu495Ala (NM_033496.3); c.1451A>C, p.Glu484Ala (NM_033500.2); short protein forms E464A, E484A, E500A, E531A, E495A, E468A, E496A.
Identifiers: ClinVar variation 2102400 (VCV002102400.4), dbSNP rs2540422930, ClinGen allele CA376910042.
Genomic context (GRCh38, chr10:69,382,708, plus strand): 5'-ATTTCCACCTCACCAAGGACATGCTGCTGGAGGTGAAGAAGAGGATGCGGGCCGAGATGG[A>C]GCTGGGGCTGAGGAAGCAGACGCACAACAATGCCGTGGTTAAGATGCTGCCCTCCTTCGT-3'
Protein context (NP_000179.2, residues 486-506): EVKKRMRAEM[Glu496Ala]LGLRKQTHNN